The following is an entry in ClinVar:

NM_003072.5(SMARCA4):c.2042C>A (p.Thr681Asn)

Gene: SMARCA4 (SWI/SNF related BAF chromatin remodeling complex subunit ATPase 4; plus strand). Cytogenetic location: 19p13.2.
Variant type: single nucleotide variant.
Coding change: c.2042C>A on transcript NM_003072.5 (MANE Select); coding-DNA position 2042, C replaced by A.
Protein change: p.Thr681Asn; replaces threonine 681 with asparagine.
Molecular consequence: missense variant. On other transcripts: non-coding transcript variant (1).
Genome position (GRCh38, 1-based): chr19:11,007,942, C>A. VCF-style: chr19-11007942-C-A. GRCh37 (hg19) VCF-style: chr19-11118618-C-A.
Other names: c.2042C>A, p.Thr681Asn (NM_001128844.3, NM_001128845.2, NM_001128846.2 and 6 more transcripts); short protein forms T681N.
Identifiers: ClinVar variation 3233085 (VCV003233085.1), dbSNP rs2088398438, ClinGen allele CA404052451.

ClinVar aggregate classification (germline): Uncertain significance (1 of 4 stars; one submission).

Conditions:
Hereditary cancer-predisposing syndrome. Also called: Neoplastic Syndromes, Hereditary; Tumor predisposition; Hereditary neoplastic syndrome; Hereditary Cancer Syndrome. Identifiers: Orphanet 140162, MedGen C0027672, MeSH D009386, MONDO:0015356.

Submission:

Ambry Genetics
Classification: Uncertain significance for Hereditary cancer-predisposing syndrome. Last evaluated: 2024-01-24. Review status: criteria provided, single submitter. Criteria: Ambry Variant Classification Scheme 2023. Collection method: clinical testing. Allele origin: germline.
Comment: The p.T681N variant (also known as c.2042C>A), located in coding exon 13 of the SMARCA4 gene, results from a C to A substitution at nucleotide position 2042. The threonine at codon 681 is replaced by asparagine, an amino acid with similar properties. This amino acid position is not well conserved in available vertebrate species. In addition, this alteration is predicted to be tolerated by in silico analysis. Based on the supporting evidence, the association of this alteration with Coffin-Siris syndrome is unknown; however, the association of this alteration with rhabdoid tumor predisposition syndrome is unlikely.